The following is an entry in ClinVar:

ClinVar aggregate classification (germline): Likely pathogenic (1 of 4 stars; one submission).

Conditions:
X-linked agammaglobulinemia with growth hormone deficiency (IGHD3). Also called: AGAMMAGLOBULINEMIA AND ISOLATED GROWTH HORMONE DEFICIENCY, X-LINKED; Isolated growth hormone deficiency type 3; Growth hormone deficiency with hypogammaglobulinemia; ISOLATED GROWTH HORMONE DEFICIENCY, TYPE III, WITH AGAMMAGLOBULINEMIA; FLEISHER SYNDROME; HYPOGAMMAGLOBULINEMIA AND ISOLATED GROWTH HORMONE DEFICIENCY, X-LINKED. Identifiers: Orphanet 231692, Orphanet 631, MedGen C0472813, MONDO:0010615, OMIM 307200.

Submission:

Labcorp Genetics (formerly Invitae), Labcorp
Classification: Likely pathogenic for X-linked agammaglobulinemia with growth hormone deficiency. Last evaluated: 2018-10-11. Review status: criteria provided, single submitter. Criteria: Invitae Variant Classification Sherloc (09022015). Collection method: clinical testing. Allele origin: germline.
Comment: This sequence change replaces proline with serine at codon 566 of the BTK protein (p.Pro566Ser). The proline residue is highly conserved and there is a moderate physicochemical difference between proline and serine. This variant is not present in population databases (ExAC no frequency). This variant has been observed in individuals affected with X-linked agammaglobulinemia (PMID: 11438999, 27593100, Invitae). Algorithms developed to predict the effect of missense changes on protein structure and function (SIFT, PolyPhen-2, Align-GVGD) all suggest that this variant is likely to be disruptive, but these predictions have not been confirmed by published functional studies and their clinical significance is uncertain. This variant disrupts the p.Pro566 amino acid residue in BTK. Other variant(s) that disrupt this residue have been observed in affected individuals (PMID: 23335184), which suggests that this may be a clinically significant amino acid residue. In summary, the currently available evidence indicates that the variant is pathogenic, but additional data are needed to prove that conclusively. Therefore, this variant has been classified as Likely Pathogenic.

Literature cited by the submitters: PubMed 11438999; PubMed 27593100; PubMed 23335184.

NM_000061.3(BTK):c.1696C>T (p.Pro566Ser)

Gene: BTK (Bruton tyrosine kinase; minus strand). Cytogenetic location: Xq22.1.
Variant type: single nucleotide variant.
Coding change: c.1696C>T on transcript NM_000061.3 (MANE Select); coding-DNA position 1696, C replaced by T.
Protein change: p.Pro566Ser; replaces proline 566 with serine.
Molecular consequence: missense variant.
Genome position (GRCh38, 1-based): chrX:101,353,924, G>A on the plus strand (C>T on the coding strand, the complement: BTK is on the minus strand). VCF-style: chrX-101353924-G-A. GRCh37 (hg19) VCF-style: chrX-100608912-G-A.
Other names: c.1798C>T, p.Pro600Ser (NM_001287344.2); c.1168C>T, p.Pro390Ser (NM_001287345.2); short protein forms P390S, P600S, P566S.
Identifiers: ClinVar variation 665916 (VCV000665916.9), dbSNP rs1603002421, ClinGen allele CA413920454.